The following is an entry in ClinVar:

NM_001142864.4(PIEZO1):c.634+4C>T

Genes: HSALR1 (HSP90AB1 associated lncRNA 1; plus strand), PIEZO1 (piezo type mechanosensitive ion channel component 1 (Er blood group); minus strand). Cytogenetic location: 16q24.3.
Variant type: single nucleotide variant.
Coding change: c.634+4C>T on transcript NM_001142864.4 (MANE Select); 4 bases into the intron after coding-DNA position 634, C replaced by T.
Molecular consequence: intron variant. On other transcripts: non-coding transcript variant (1).
Genome position (GRCh38, 1-based): chr16:88,738,564, G>A on the plus strand (C>T on the coding strand, the complement: PIEZO1 is on the minus strand). VCF-style: chr16-88738564-G-A. GRCh37 (hg19) VCF-style: chr16-88804972-G-A.
Identifiers: ClinVar variation 4705177 (VCV004705177.1).

ClinVar aggregate classification (germline): Uncertain significance (1 of 4 stars; one submission).

gnomAD v4.1: 26 of 1,534,492 alleles (0.0017%); highest among the groups gnomAD compares: East Asian, 0.027%; no homozygotes.

Submission:

Labcorp Genetics (formerly Invitae), Labcorp
Classification: Uncertain significance. Last evaluated: 2025-09-14. Review status: criteria provided, single submitter. Criteria: Invitae Variant Classification Sherloc (09022015). Collection method: clinical testing. Allele origin: germline.
Comment: This sequence change falls in intron 6 of the PIEZO1 gene. It does not directly change the encoded amino acid sequence of the PIEZO1 protein. It affects a nucleotide within the consensus splice site. This variant is not present in population databases (gnomAD no frequency). This variant has not been reported in the literature in individuals affected with PIEZO1-related conditions. Variants that disrupt the consensus splice site are a relatively common cause of aberrant splicing (PMID: 17576681, 9536098). Algorithms developed to predict the effect of sequence changes on RNA splicing suggest that this variant is not likely to affect RNA splicing. In summary, the available evidence is currently insufficient to determine the role of this variant in disease. Therefore, it has been classified as a Variant of Uncertain Significance.

Literature cited by the submitters: PubMed 17576681; PubMed 9536098.